The following is an entry in ClinVar:

NM_001040108.2(MLH3):c.2568A>C (p.Leu856Phe)

Gene: MLH3 (mutL homolog 3; minus strand). Cytogenetic location: 14q24.3.
Variant type: single nucleotide variant.
Coding change: c.2568A>C on transcript NM_001040108.2 (MANE Select); coding-DNA position 2568, A replaced by C.
Protein change: p.Leu856Phe; replaces leucine 856 with phenylalanine.
Molecular consequence: missense variant.
Genome position (GRCh38, 1-based): chr14:75,047,088, T>G on the plus strand (A>C on the coding strand, the complement: MLH3 is on the minus strand). VCF-style: chr14-75047088-T-G. GRCh37 (hg19) VCF-style: chr14-75513791-T-G.
Other names: c.2568A>C, p.Leu856Phe (NM_014381.3); short protein forms L856F.
Identifiers: ClinVar variation 659451 (VCV000659451.16), dbSNP rs191623874, ClinGen allele CA7275681.

ClinVar aggregate classification (germline): Conflicting classifications of pathogenicity. Review status: criteria provided, conflicting classifications (1 of 4 stars). 4 submissions from 4 submitters: Uncertain significance (3); Likely benign (1). Last evaluated 2024-10-13.

Conditions:
Endometrial carcinoma. Also called: Endometrial carcinoma, somatic. Identifiers: MedGen C0476089, MONDO:0002447, OMIM 608089, HP:0012114.
Colorectal cancer. Also called: Colorectal cancer, somatic; Malignant Colorectal Neoplasm. Identifiers: MedGen C0346629, MONDO:0005575, OMIM 114500.
Colorectal cancer, hereditary nonpolyposis, type 7. Identifiers: Orphanet 144, MedGen C1858380, MONDO:0013725, OMIM 614385.

Allele frequency attached by ClinVar (database versions not stated): ExAC 0.00002; gnomAD 0.00002 and 0.00003; gnomAD exomes 0.00002 and 0.00003; TOPMed 0.00003; 1000 Genomes Project 0.00020; 1000 Genomes Project 30x 0.00031.
gnomAD v4.1: 49 of 1,614,150 alleles (0.003%); highest among the groups gnomAD compares: Admixed American, 0.005%; no homozygotes.

Submissions (4):

Labcorp Genetics (formerly Invitae), Labcorp
Classification: Uncertain significance for Colorectal cancer, hereditary nonpolyposis, type 7. Last evaluated: 2024-10-13. Review status: criteria provided, single submitter. Criteria: Invitae Variant Classification Sherloc (09022015). Collection method: clinical testing. Allele origin: germline.
Comment: This sequence change replaces leucine, which is neutral and non-polar, with phenylalanine, which is neutral and non-polar, at codon 856 of the MLH3 protein (p.Leu856Phe). This variant is present in population databases (rs191623874, gnomAD 0.003%). This variant has not been reported in the literature in individuals affected with MLH3-related conditions. ClinVar contains an entry for this variant (Variation ID: 659451). An algorithm developed to predict the effect of missense changes on protein structure and function outputs the following: PolyPhen-2: "Benign". The phenylalanine amino acid residue is found in multiple mammalian species, which suggests that this missense change does not adversely affect protein function. In summary, the available evidence is currently insufficient to determine the role of this variant in disease. Therefore, it has been classified as a Variant of Uncertain Significance.

Fulgent Genetics
Classification: Uncertain significance for Colorectal cancer; Endometrial carcinoma; Colorectal cancer, hereditary nonpolyposis, type 7. Last evaluated: 2024-03-01. Review status: criteria provided, single submitter. Criteria: ACMG Guidelines, 2015. Collection method: clinical testing. Allele origin: germline.

Ambry Genetics
Classification: Likely benign. Last evaluated: 2024-02-22. Review status: criteria provided, single submitter. Criteria: Ambry Variant Classification Scheme 2023. Collection method: clinical testing. Allele origin: germline.

Department of Pathology and Laboratory Medicine, Sinai Health System
Classification: Uncertain significance for Colorectal cancer. Last evaluated: 2022-07-15. Review status: criteria provided, single submitter. Criteria: ACMG Guidelines, 2015. Collection method: clinical testing. Allele origin: germline. Affected: yes.